The following is an entry in ClinVar:

NC_000016.9:g.(?_3786017)_(3786836_?)dup

Gene: CREBBP (CREB binding lysine acetyltransferase; minus strand). Cytogenetic location: 16p13.3.
Variant type: Duplication.
Identifiers: ClinVar variation 583467 (VCV000583467.8).

ClinVar aggregate classification (germline): Likely pathogenic. Review status: criteria provided, single submitter (1 of 4 stars). 2 submissions from 1 submitter: Likely pathogenic (2). Last evaluated 2018-04-09.

Conditions:
Rubinstein-Taybi syndrome due to CREBBP mutations (RSTS1). Also called: RUBINSTEIN SYNDROME; RUBINSTEIN-TAYBI SYNDROME 1, INCOMPLETE; Rubinstein-Taybi syndrome 1; CREBBP-Related Rubinstein-Taybi Syndrome; BROAD THUMB-HALLUX SYNDROME; BROAD THUMBS AND GREAT TOES, CHARACTERISTIC FACIES, AND IMPAIRED INTELLECTUAL DEVELOPMENT. Identifiers: Orphanet 353277, Orphanet 783, MedGen C4551859, MONDO:0008393, OMIM 180849.
Rubinstein-Taybi syndrome (RSTS). Identifiers: Orphanet 783, MedGen C0035934, MONDO:0019188.

Submissions (2):

Labcorp Genetics (formerly Invitae), Labcorp
Classification: Likely pathogenic for Rubinstein-Taybi syndrome. Last evaluated: 2018-04-09. Review status: criteria provided, single submitter. Criteria: Invitae Variant Classification Sherloc (09022015). Collection method: clinical testing. Allele origin: germline.
Comment: This variant results in a copy number gain of the genomic region encompassing exons 27-28 of the CREBBP gene. While the exact position of this variant cannot be determined from this data, sub-genic copy number gains are generally in tandem (PMID: 25640679) and may result in an absent or disrupted protein product. This variant has been reported in an individual with Rubinstein-Taybi syndromeÂ¬â€ (Invitae). Loss-of-function variants in CREBBP are known to be pathogenic (PMID: 17052327, 18792986). In summary, the currently available evidence indicates that the variant is pathogenic, but additional data are needed to prove that conclusively. Therefore, this variant has been classified as Likely Pathogenic.

Labcorp Genetics (formerly Invitae), Labcorp
Classification: Likely pathogenic for Rubinstein-Taybi syndrome. Last evaluated: 2018-03-27. Review status: criteria provided, single submitter. Criteria: Invitae Variant Classification Sherloc (09022015). Collection method: clinical testing. Allele origin: germline.
Comment: Loss-of-function variants in CREBBP are known to be pathogenic (PMID: 17052327, 18792986). In summary, the currently available evidence indicates that the variant is pathogenic, but additional data are needed to prove that conclusively. Therefore, this variant has been classified as Likely Pathogenic. This variant has been reported in an individual with Rubinstein-Taybi syndrome¬†(Invitae). This variant results in a copy number gain of the genomic region encompassing exons 27-28 of the CREBBP gene. While the exact position of this variant cannot be determined from this data, sub-genic copy number gains are generally in tandem (PMID: 25640679) and may result in an absent or disrupted protein product.

Literature cited by the submitters: PubMed 17052327; PubMed 18792986; PubMed 25640679.